The following is an entry in ClinVar:

ClinVar aggregate classification (germline): Uncertain significance. Review status: criteria provided, multiple submitters, no conflicts (2 of 4 stars). 3 submissions from 3 submitters: Uncertain significance (3). Last evaluated 2025-04-17.

Conditions:
Inborn genetic diseases. Identifiers: MedGen C0950123, MeSH D030342.
Fanconi anemia (FA). Also called: Fanconi's anemia. Identifiers: Orphanet 84, MedGen C0015625, MeSH D005199, MONDO:0019391.
Fanconi anemia complementation group I (FANCI). Also called: FANCI-Related Fanconi Anemia. Identifiers: Orphanet 84, MedGen C1836861, MONDO:0012186, OMIM 609053.

Allele frequency attached by ClinVar (database versions not stated): gnomAD 0.00001 and 0.00003; TOPMed 0.00001; gnomAD exomes 0.00003; ExAC 0.00004.

Submissions (3):

Ambry Genetics
Classification: Uncertain significance for Inborn genetic diseases. Last evaluated: 2025-04-17. Review status: criteria provided, single submitter. Criteria: Ambry Variant Classification Scheme 2023. Collection method: clinical testing. Allele origin: germline.

Neuberg Centre For Genomic Medicine, NCGM
Classification: Uncertain significance for Fanconi anemia complementation group I. Last evaluated: 2023-02-14. Review status: criteria provided, single submitter. Criteria: ACMG Guidelines, 2015. Collection method: clinical testing. Allele origin: germline. Inheritance: Autosomal recessive inheritance. Affected: yes.
Comment: The missense c.2687G>C (p.Gly896Ala) variant inFANCI gene has not been reported previously as a pathogenic variant nor as a benign variant, to our knowledge. The p.Gly896Ala variant is novel (not in any individuals) in gnomAD Exomes and 1000 Genomes. This variant has been reported to the ClinVar database as Uncertain Significance. The amino acid change p.Gly896Ala in FANCI is predicted as conserved by GERP++ and PhyloP across 100 vertebrates. The amino acid Gly at position 896 is changed to a Ala changing protein sequence and it might alter its composition and physico-chemical properties. For these reasons, this variant has been classified as Variant of Uncertain Significance (VUS).

Labcorp Genetics (formerly Invitae), Labcorp
Classification: Uncertain significance for Fanconi anemia. Last evaluated: 2022-08-05. Review status: criteria provided, single submitter. Criteria: Invitae Variant Classification Sherloc (09022015). Collection method: clinical testing. Allele origin: germline.
Comment: In summary, the available evidence is currently insufficient to determine the role of this variant in disease. Therefore, it has been classified as a Variant of Uncertain Significance. Algorithms developed to predict the effect of missense changes on protein structure and function output the following: SIFT: "Tolerated"; PolyPhen-2: "Benign"; Align-GVGD: "Class C0". The alanine amino acid residue is found in multiple mammalian species, which suggests that this missense change does not adversely affect protein function. ClinVar contains an entry for this variant (Variation ID: 969376). This variant has not been reported in the literature in individuals affected with FANCI-related conditions. This variant is present in population databases (rs751233975, gnomAD 0.02%). This sequence change replaces glycine, which is neutral and non-polar, with alanine, which is neutral and non-polar, at codon 896 of the FANCI protein (p.Gly896Ala).

NM_001113378.2(FANCI):c.2687G>C (p.Gly896Ala)

Gene: FANCI (FA complementation group I; plus strand). Cytogenetic location: 15q26.1.
Variant type: single nucleotide variant.
Coding change: c.2687G>C on transcript NM_001113378.2 (MANE Select); coding-DNA position 2687, G replaced by C.
Protein change: p.Gly896Ala; replaces glycine 896 with alanine.
Molecular consequence: missense variant.
Genome position (GRCh38, 1-based): chr15:89,299,850, G>C. VCF-style: chr15-89299850-G-C. GRCh37 (hg19) VCF-style: chr15-89843081-G-C.
Other names: c.2408G>C, p.Gly803Ala (NM_001376910.1); c.2687G>C, p.Gly896Ala (NM_001376911.1); c.2507G>C, p.Gly836Ala (NM_018193.3); short protein forms G803A, G896A, G836A.
Identifiers: ClinVar variation 969376 (VCV000969376.13), dbSNP rs751233975, ClinGen allele CA7723440.